The following is an entry in ClinVar:

NM_015103.3(PLXND1):c.3025G>C (p.Gly1009Arg)

Gene: PLXND1 (plexin D1; minus strand). Cytogenetic location: 3q22.1.
Variant type: single nucleotide variant.
Coding change: c.3025G>C on transcript NM_015103.3 (MANE Select); coding-DNA position 3025, G replaced by C.
Protein change: p.Gly1009Arg; replaces glycine 1009 with arginine.
Molecular consequence: missense variant.
Genome position (GRCh38, 1-based): chr3:129,572,661, C>G on the plus strand (G>C on the coding strand, the complement: PLXND1 is on the minus strand). VCF-style: chr3-129572661-C-G. GRCh37 (hg19) VCF-style: chr3-129291504-C-G.
Other names: short protein forms G1009R.
Identifiers: ClinVar variation 5020196 (VCV005020196.1).

ClinVar aggregate classification (germline): Uncertain significance (1 of 4 stars; one submission).

Submission:

Dasa
Classification: Uncertain significance. Last evaluated: 2026-07-13. Review status: criteria provided, single submitter. Criteria: DASA Assertion Criteria. Collection method: clinical testing. Allele origin: germline.
Comment: NM_015103.3(PLXND1):c.3025G>C (p.Gly1009Arg) is a missense variant that results in the substitution of glycine with arginine. This variant is rare in population databases. Computational prediction algorithms are consistent with a deleterious effect. The currently available literature and clinical evidence are not sufficient to establish a definitive association between this variant and the reported condition. Therefore, this variant is classified as a variant of uncertain significance.